The following is an entry in ClinVar:

ClinVar aggregate classification (germline): Uncertain significance (0 of 4 stars; one submission).

Conditions:
RAB23-related disorder. Also called: RAB23-related condition.

Allele frequency attached by ClinVar (database versions not stated): TOPMed below 0.00001; ExAC 0.00002; gnomAD exomes 0.00002.
gnomAD v4.1: 26 of 1,614,026 alleles (0.0016%); highest among the groups gnomAD compares: Non-Finnish European, 0.0021%; no homozygotes.

Submission:

PreventionGenetics, part of Exact Sciences
Classification: Uncertain significance for RAB23-related condition. Last evaluated: 2023-12-11. Review status: no assertion criteria provided. Collection method: clinical testing. Allele origin: germline.
Comment: The RAB23 c.395A>C variant is predicted to result in the amino acid substitution p.Lys132Thr. To our knowledge, this variant has not been reported in the literature. This variant is reported in 0.0044% of alleles in individuals of European (Non-Finnish) descent in gnomAD. At this time, the clinical significance of this variant is uncertain due to the absence of conclusive functional and genetic evidence.

NM_016277.5(RAB23):c.395A>C (p.Lys132Thr)

Gene: RAB23 (RAB23, member RAS oncogene family; minus strand). Cytogenetic location: 6p12.1.
Variant type: single nucleotide variant.
Coding change: c.395A>C on transcript NM_016277.5 (MANE Select); coding-DNA position 395, A replaced by C.
Protein change: p.Lys132Thr; replaces lysine 132 with threonine.
Molecular consequence: missense variant.
Genome position (GRCh38, 1-based): chr6:57,196,453, T>G on the plus strand (A>C on the coding strand, the complement: RAB23 is on the minus strand). VCF-style: chr6-57196453-T-G. GRCh37 (hg19) VCF-style: chr6-57061251-T-G.
Other names: c.395A>C, p.Lys132Thr (NM_001278666.2, NM_001278667.2, NM_001278668.2 and 1 more transcripts); short protein forms K132T.
Identifiers: ClinVar variation 2632287 (VCV002632287.3), dbSNP rs753397635, ClinGen allele CA3873838.
Genomic context (GRCh38, chr6:57,196,453, plus strand): 5'-AGATGTCTTAACTTTATAGAATTACTGTCCCTCCTTCCCCAAAAGTAGCCATCTTACTTC[T>G]TTATACAAGAATCATCCAGAAGATCAATCTTGTTTTGCACAAGTACAGTTGGTATATCTC-3'
Protein context (NP_057361.3, residues 122-142): KIDLLDDSCI[Lys132Thr]NEEAEALAKR